The following is an entry in ClinVar:

ClinVar aggregate classification (germline): Uncertain significance. Review status: criteria provided, multiple submitters, no conflicts (2 of 4 stars). 3 submissions from 3 submitters: Uncertain significance (3). Last evaluated 2026-03-20.

Conditions:
MC4R-related disorder. Also called: MC4R-related condition.

Allele frequency attached by ClinVar (database versions not stated): TOPMed 0.00008.

Submissions (3):

GeneDx
Classification: Uncertain significance. Last evaluated: 2026-03-20. Review status: criteria provided, single submitter. Criteria: GeneDx Variant Classification Process June 2021. Collection method: clinical testing. Allele origin: germline.
Comment: Published functional studies suggest this variant results in reduced MC4R expression; however, data was not available for review and additional studies are needed to validate the functional effect of this variant in vivo (PMID: 16083993); In silico analysis supports that this missense variant has a deleterious effect on protein structure/function; This variant is associated with the following publications: (PMID: 17628007, 17029567, 12851297, 30642682, 22492873, 16083993, 12646665)

PreventionGenetics, part of Exact Sciences
Classification: Uncertain significance for MC4R-related condition. Last evaluated: 2025-10-30. Review status: criteria provided, single submitter. Criteria: ACMG Guidelines, 2015. Collection method: clinical testing. Allele origin: germline.
Comment: The MC4R c.467A>C variant is predicted to result in the amino acid substitution p.Gln156Pro. This variant resides in intracellular loop 2 in a region that is known to be involved in G-protein activation (Wong. 2003. PubMed ID: 12624524). It was detected in the heterozygous state in one individual with obesity (Lubrano-Berthelier et al. 2003. PubMed ID: 12851297). Functional studies suggested it has reduced, but not eliminated, basal activity and ligand response (Govaerts et al. 2005. PubMed ID: 16083993). This variant is reported in 0.012% of alleles in individuals of Latino descent in gnomAD. Although we suspect that this variant may be pathogenic, at this time, the clinical significance of this variant is uncertain due to the absence of conclusive functional and genetic evidence.

Labcorp Genetics (formerly Invitae), Labcorp
Classification: Uncertain significance. Last evaluated: 2024-11-30. Review status: criteria provided, single submitter. Criteria: Invitae Variant Classification Sherloc (09022015). Collection method: clinical testing. Allele origin: germline.
Comment: This sequence change replaces glutamine, which is neutral and polar, with proline, which is neutral and non-polar, at codon 156 of the MC4R protein (p.Gln156Pro). This variant is present in population databases (no rsID available, gnomAD 0.01%). This missense change has been observed in individual(s) with MC4R-related obesity (PMID: 12851297, 14633862). ClinVar contains an entry for this variant (Variation ID: 2716611). Invitae Evidence Modeling of protein sequence and biophysical properties (such as structural, functional, and spatial information, amino acid conservation, physicochemical variation, residue mobility, and thermodynamic stability) indicates that this missense variant is not expected to disrupt MC4R protein function with a negative predictive value of 80%. In summary, the available evidence is currently insufficient to determine the role of this variant in disease. Therefore, it has been classified as a Variant of Uncertain Significance.

Literature cited by the submitters: PubMed 12851297 (cited by Labcorp Genetics (formerly Invitae), Labcorp); PubMed 14633862 (cited by Labcorp Genetics (formerly Invitae), Labcorp).

NM_005912.3(MC4R):c.467A>C (p.Gln156Pro)

Gene: MC4R (melanocortin 4 receptor; minus strand). Cytogenetic location: 18q21.32.
Variant type: single nucleotide variant.
Coding change: c.467A>C on transcript NM_005912.3 (MANE Select); coding-DNA position 467, A replaced by C.
Protein change: p.Gln156Pro; replaces glutamine 156 with proline.
Molecular consequence: missense variant.
Genome position (GRCh38, 1-based): chr18:60,371,883, T>G on the plus strand (A>C on the coding strand, the complement: MC4R is on the minus strand). VCF-style: chr18-60371883-T-G. GRCh37 (hg19) VCF-style: chr18-58039116-T-G.
Other names: c.467A>C (NM_005912.2); short protein forms Q156P.
Identifiers: ClinVar variation 2716611 (VCV002716611.7), dbSNP rs1253353185, ClinGen allele CA402719749.